The following is an entry in ClinVar:

NM_003482.4(KMT2D):c.11214_11237dup (p.Gln3745_His3746insGlnGlnGlnGlnGlnGlnGlnGln)

Gene: KMT2D (lysine methyltransferase 2D; minus strand). Cytogenetic location: 12q13.12.
Variant type: Duplication.
Coding change: c.11214_11237dup on transcript NM_003482.4 (MANE Select); coding-DNA positions 11214 to 11237, 24 bases duplicated (GCAGCAGCAACAGCAGCAGCAGCA).
Protein change: p.Gln3745_His3746insGlnGlnGlnGlnGlnGlnGlnGln.
Molecular consequence: inframe insertion.
Genome position (GRCh38, 1-based): chr12:49,033,468-49,033,491, TGCTGCTGCTGCTGTTGCTGCTGC duplicated on the plus strand (GCAGCAGCAACAGCAGCAGCAGCA on the coding strand, the reverse complement: KMT2D is on the minus strand); duplicating any 24 consecutive bases within chr12:49,033,468-49,033,503 gives the same sequence; the c. name uses the placement nearest the transcript's 3' end. VCF-style (leftmost placement, unchanged base first): chr12-49033467-G-GTGCTGCTGCTGCTGTTGCTGCTGC. GRCh37 (hg19) VCF-style: chr12-49427250-G-GTGCTGCTGCTGCTGTTGCTGCTGC.
Identifiers: ClinVar variation 2811980 (VCV002811980.3), dbSNP rs772340299, ClinGen allele CA2739272014.

ClinVar aggregate classification (germline): Uncertain significance (1 of 4 stars; one submission).

Conditions:
Kabuki syndrome. Also called: Kabuki make-up syndrome; NIIKAWA-KUROKI SYNDROME. Identifiers: Orphanet 2322, MedGen C0796004, MONDO:0016512.

Submission:

Labcorp Genetics (formerly Invitae), Labcorp
Classification: Uncertain significance for Kabuki syndrome. Last evaluated: 2022-11-04. Review status: criteria provided, single submitter. Criteria: Invitae Variant Classification Sherloc (09022015). Collection method: clinical testing. Allele origin: germline.
Comment: This variant, c.11214_11237dup, results in the insertion of 8 amino acid(s) of the KMT2D protein (p.Gln3738_Gln3745dup), but otherwise preserves the integrity of the reading frame. In summary, the available evidence is currently insufficient to determine the role of this variant in disease. Therefore, it has been classified as a Variant of Uncertain Significance. This variant has not been reported in the literature in individuals affected with KMT2D-related conditions. This variant is not present in population databases (gnomAD no frequency).